The following is an entry in ClinVar:

NM_002181.4(IHH):c.992C>T (p.Pro331Leu)

Gene: IHH (Indian hedgehog signaling molecule; minus strand). Cytogenetic location: 2q35.
Variant type: single nucleotide variant.
Coding change: c.992C>T on transcript NM_002181.4 (MANE Select); coding-DNA position 992, C replaced by T.
Protein change: p.Pro331Leu; replaces proline 331 with leucine.
Molecular consequence: missense variant.
Genome position (GRCh38, 1-based): chr2:219,055,451, G>A on the plus strand (C>T on the coding strand, the complement: IHH is on the minus strand). VCF-style: chr2-219055451-G-A. GRCh37 (hg19) VCF-style: chr2-219920173-G-A.
Other names: c.992C>T (NM_002181.3); short protein forms P331L.
Identifiers: ClinVar variation 1466954 (VCV001466954.8), dbSNP rs367575081, ClinGen allele CA2116553.
Genomic context (GRCh38, chr2:219,055,451, plus strand): 5'-ACGGCCGCGAAGCAGGATGCCACCACATCCTCCACCACCAGTGTCCCATGCTTTGTGAGC[G>A]GGGCGTAGGCCCCGAGGGCCACGTGTGTAGAGACAGCTGCCACGCGGGCAGGCTGCAGGC-3'
Protein context (NP_002172.2, residues 321-341): STHVALGAYA[Pro331Leu]LTKHGTLVVE

ClinVar aggregate classification (germline): Uncertain significance. Review status: criteria provided, multiple submitters, no conflicts (2 of 4 stars). 3 submissions from 3 submitters: Uncertain significance (2). 1 of the submissions does not count toward it. Last evaluated 2025-08-29.

Conditions:
IHH-related disorder. Also called: IHH-related condition.
Inborn genetic diseases. Identifiers: MedGen C0950123, MeSH D030342.

Allele frequency attached by ClinVar (database versions not stated): ExAC 0.00003; gnomAD 0.00003 and 0.00004; gnomAD exomes 0.00003 and 0.00004; TOPMed 0.00003; ESP Exome Variant Server 0.00008.
gnomAD v4.1: 64 of 1,611,742 alleles (0.004%); highest among the groups gnomAD compares: Middle Eastern, 0.049%; no homozygotes.

Submissions (3):

Labcorp Genetics (formerly Invitae), Labcorp
Classification: Uncertain significance. Last evaluated: 2025-08-29. Review status: criteria provided, single submitter. Criteria: Invitae Variant Classification Sherloc (09022015). Collection method: clinical testing. Allele origin: germline.
Comment: This sequence change replaces proline, which is neutral and non-polar, with leucine, which is neutral and non-polar, at codon 331 of the IHH protein (p.Pro331Leu). This variant is present in population databases (rs367575081, gnomAD 0.009%). This variant has not been reported in the literature in individuals affected with IHH-related conditions. ClinVar contains an entry for this variant (Variation ID: 1466954). Invitae Evidence Modeling of protein sequence and biophysical properties (such as structural, functional, and spatial information, amino acid conservation, physicochemical variation, residue mobility, and thermodynamic stability) indicates that this missense variant is expected to disrupt IHH protein function with a positive predictive value of 80%. In summary, the available evidence is currently insufficient to determine the role of this variant in disease. Therefore, it has been classified as a Variant of Uncertain Significance.

Ambry Genetics
Classification: Uncertain significance for Inborn genetic diseases. Last evaluated: 2024-08-11. Review status: criteria provided, single submitter. Criteria: Ambry Variant Classification Scheme 2023. Collection method: clinical testing. Allele origin: germline.

PreventionGenetics, part of Exact Sciences
Classification: Uncertain significance for IHH-related condition. Last evaluated: 2024-06-14. Review status: no assertion criteria provided. Collection method: clinical testing. Allele origin: germline. Not counted in ClinVar's aggregate classification.
Comment: The IHH c.992C>T variant is predicted to result in the amino acid substitution p.Pro331Leu. To our knowledge, this variant has not been reported in the literature. This variant is reported in 0.0085% of alleles in individuals of Latino descent in gnomAD. At this time, the clinical significance of this variant is uncertain due to the absence of conclusive functional and genetic evidence.